The following is an entry in ClinVar:

NM_174936.4(PCSK9):c.*345C>T

Gene: PCSK9 (proprotein convertase subtilisin/kexin type 9; plus strand). Cytogenetic location: 1p32.3.
Variant type: single nucleotide variant.
Coding change: c.*345C>T on transcript NM_174936.4 (MANE Select); 345 bases downstream of the stop codon, C replaced by T.
Molecular consequence: 3 prime UTR variant.
Genome position (GRCh38, 1-based): chr1:55,063,929, C>T. VCF-style: chr1-55063929-C-T. GRCh37 (hg19) VCF-style: chr1-55529602-C-T.
Other names: c.*345C>T (NM_001407240.1, NM_001407241.1, NM_001407242.1 and 5 more transcripts).
Identifiers: ClinVar variation 297721 (VCV000297721.6), dbSNP rs17111555, ClinGen allele CA10610510.
Genomic context (GRCh38, chr1:55,063,929, plus strand): 5'-CCAGCTGCTCCCAATGTGCCGATGTCCGTGGGCAGAATGACTTTTATTGAGCTCTTGTTC[C>T]GTGCCAGGCATTCAATCCTCAGGTCTCCACCAAGGAGGCAGGATTCTTCCCATGGATAGG-3'

ClinVar aggregate classification (germline): Benign. Review status: criteria provided, single submitter (1 of 4 stars). 2 submissions from 1 submitter: Benign (2). Last evaluated 2018-01-13.

Conditions:
Hypobetalipoproteinemia. Identifiers: Orphanet 31154, MedGen C0020597, MONDO:0017774.
Hypercholesterolemia, autosomal dominant, 3 (FHCL3). Also called: PCSK9-Related Familial Hypercholesterolemia, Autosomal Dominant; Familial hypercholesterolemia 3; Familial Hypercholesterolemia, Autosomal Dominant, 3. Identifiers: MedGen C1863551, MONDO:0011369, OMIM 603776.

Allele frequency attached by ClinVar (database versions not stated): gnomAD exomes 0.00915; gnomAD 0.02320 and 0.02424; TOPMed 0.02370; 1000 Genomes Project 0.02536; 1000 Genomes Project 30x 0.02623.
gnomAD v4.1: 5,061 of 324,010 alleles (1.6%); highest among the groups gnomAD compares: African/African-American, 6.1%; 125 homozygotes.

Submissions (2):

Illumina Laboratory Services, Illumina
Classification: Benign for Hypobetalipoproteinemia. Last evaluated: 2018-01-13. Review status: criteria provided, single submitter. Criteria: ICSL Variant Classification Criteria 13 December 2019. Collection method: clinical testing. Allele origin: germline.
Comment: This variant was observed in the ICSL laboratory as part of a predisposition screen in an ostensibly healthy population. It had not been previously curated by ICSL or reported in the Human Gene Mutation Database (HGMD: prior to June 1st, 2018), and was therefore a candidate for classification through an automated scoring system. Utilizing variant allele frequency, disease prevalence and penetrance estimates, and inheritance mode, an automated score was calculated to assess if this variant is too frequent to cause the disease. Based on the score and internal cut-off values, a variant classified as benign is not then subjected to further curation. The score for this variant resulted in a classification of benign for this disease.

Illumina Laboratory Services, Illumina
Classification: Benign for Hypercholesterolemia, autosomal dominant, 3. Last evaluated: 2018-01-13. Review status: criteria provided, single submitter. Criteria: ICSL Variant Classification Criteria 13 December 2019. Collection method: clinical testing. Allele origin: germline.
Comment: the same text as in the submission from Illumina Laboratory Services, Illumina above.